The following is an entry in ClinVar:

ClinVar aggregate classification (germline): Pathogenic. Review status: reviewed by expert panel (3 of 4 stars). 6 submissions from 6 submitters: Pathogenic (1). 5 of the submissions do not count toward it. Last evaluated 2020-06-05.

Conditions:
Phenylketonuria (PKU). Also called: Phenylketonuria (PKU); FOLLING DISEASE; OLIGOPHRENIA PHENYLPYRUVICA; Phenylketonurias. Identifiers: Orphanet 716, MedGen C0031485, MONDO:0009861, OMIM 261600. Disease mechanism: loss of function.

Submissions (6):

ClinGen PAH Variant Curation Expert Panel
Classification: Pathogenic for Phenylketonuria. Last evaluated: 2020-06-05. Review status: reviewed by expert panel. Criteria: ClinGen PAH ACMG Specifications v1. Collection method: curation. Allele origin: germline. Inheritance: Autosomal recessive inheritance.
Comment: The c.1199G>C (p.Arg400Thr) variant in PAH has been reported in multiple individuals with PAH deficiency (BH4 deficiency excluded). (PMID: 16256386, 19915519, 23932990). This variant is absent in population databases. It has been detected with pathogenic variants: IVS7+2T>A, p.R243Q, p.G346R (PMID: 16256386); and in trans with IVS4+3Gï¼žC, p.His107Arg, EX6-96Aï¼žG, p.Arg243Gln, IVS4-1Gï¼žA (PMID: 29316886). Computational prediction tools and conservation analysis are conflicting. In summary, this variant meets criteria to be classified as pathogenic for PAH. PAH-specific ACMG/AMP criteria applied: PM3_very-strong, PM2, PP4_Moderate.

Women's Health and Genetics/Laboratory Corporation of America, LabCorp
Classification: Pathogenic for Phenylketonuria. Last evaluated: 2025-03-31. Review status: criteria provided, single submitter. Criteria: LabCorp Variant Classification Summary - May 2015. Collection method: clinical testing. Allele origin: germline. Not counted in ClinVar's aggregate classification.
Comment: Variant summary: PAH c.1199G>C (p.Arg400Thr) results in a non-conservative amino acid change in the encoded protein sequence. Four of five in-silico tools predict a damaging effect of the variant on protein function. Several computational tools predict a significant impact on normal splicing: Three predict the variant abolishes a cryptic 5' donor site. One predicts the variant abolishes a 5' splicing donor site. Three predict the variant weakens a 5' donor site. However, these predictions have yet to be confirmed by functional studies. The variant was absent in 251264 control chromosomes. c.1199G>C has been reported in the presumed compound heterozygous state in the literature in multiple individuals affected with Phenylalanine Hydroxylase Deficiency (Phenylketonuria) (example, Li_2018, Liu_2017, Song_2005, Wang_2017). These data indicate that the variant is very likely to be associated with disease. To our knowledge, no experimental evidence demonstrating an impact on protein function has been reported. The following publications have been ascertained in the context of this evaluation (PMID: 30050108, 28982351, 16256386, 29176022). ClinVar contains an entry for this variant (Variation ID: 102562). Based on the evidence outlined above, the variant was classified as pathogenic.

Labcorp Genetics (formerly Invitae), Labcorp
Classification: Pathogenic for Phenylketonuria. Last evaluated: 2023-09-15. Review status: criteria provided, single submitter. Criteria: Invitae Variant Classification Sherloc (09022015). Collection method: clinical testing. Allele origin: germline. Not counted in ClinVar's aggregate classification.
Comment: ClinVar contains an entry for this variant (Variation ID: 102562). An algorithm developed to predict the effect of missense changes on protein structure and function (PolyPhen-2) suggests that this variant is likely to be tolerated. Variants that disrupt the consensus splice site are a relatively common cause of aberrant splicing (PMID: 17576681, 9536098). Algorithms developed to predict the effect of sequence changes on RNA splicing suggest that this variant may disrupt the consensus splice site. This variant disrupts the c.1199G nucleotide in the PAH gene. Other variant(s) that disrupt this nucleotide have been determined to be pathogenic (PMID: 16256386). This suggests that this nucleotide is clinically significant, and that variants that disrupt this position are likely to be disease-causing. For these reasons, this variant has been classified as Pathogenic. This sequence change replaces arginine, which is basic and polar, with threonine, which is neutral and polar, at codon 400 of the PAH protein (p.Arg400Thr). This variant also falls at the last nucleotide of exon 11, which is part of the consensus splice site for this exon. This variant is not present in population databases (gnomAD no frequency). This missense change has been observed in individual(s) with phenylketonuria (PMID: 26600521, 29176022).

Eurofins Ntd Llc (ga)
Classification: Pathogenic. Last evaluated: 2017-06-16. Review status: criteria provided, single submitter. Criteria: EGL Classification Definitions 2015. Collection method: clinical testing. Allele origin: germline. Observed: 1 variant allele, 1 heterozygote. Not counted in ClinVar's aggregate classification.

Juno Genomics, Hangzhou Juno Genomics, Inc
Classification: Pathogenic for Phenylketonuria. Review status: criteria provided, single submitter. Criteria: ACMG Guidelines, 2015. Collection method: clinical testing. Allele origin: germline. Affected: yes. Not counted in ClinVar's aggregate classification.
Comment: Absent from controls (or at extremely low frequency if recessive) in Genome Aggregation Database.;Multiple lines of computational evidence support a deleterious effect on the gene or gene product.;For recessive disorders, detected in trans with a pathogenic variant.;Patient's phenotype or family history is highly specific for a disease with a single genetic etiology.

DeBelle Laboratory for Biochemical Genetics, MUHC/MCH RESEARCH INSTITUTE
No classification provided. Review status: no classification provided. Collection method: not provided. Allele origin: not provided. Not counted in ClinVar's aggregate classification.

Literature cited by the submitters: PubMed 19915519 (cited by ClinGen PAH Variant Curation Expert Panel); PubMed 23932990 (cited by ClinGen PAH Variant Curation Expert Panel); PubMed 16256386 (cited by 4 submitters); PubMed 29176022 (cited by Women's Health and Genetics/Laboratory Corporation of America, LabCorp and Labcorp Genetics (formerly Invitae), Labcorp); PubMed 28982351 (cited by Women's Health and Genetics/Laboratory Corporation of America, LabCorp); PubMed 30050108 (cited by Women's Health and Genetics/Laboratory Corporation of America, LabCorp); PubMed 17576681 (cited by Labcorp Genetics (formerly Invitae), Labcorp); PubMed 9536098 (cited by Labcorp Genetics (formerly Invitae), Labcorp); PubMed 26600521 (cited by Labcorp Genetics (formerly Invitae), Labcorp); PubMed 26503515 (cited by Eurofins Ntd Llc (ga)).

NM_000277.3(PAH):c.1199G>C (p.Arg400Thr)

Gene: PAH (phenylalanine hydroxylase; minus strand). Cytogenetic location: 12q23.2.
Variant type: single nucleotide variant.
Coding change: c.1199G>C on transcript NM_000277.3 (MANE Select); coding-DNA position 1199, G replaced by C.
Protein change: p.Arg400Thr; replaces arginine 400 with threonine.
Molecular consequence: missense variant.
Genome position (GRCh38, 1-based): chr12:102,843,646, C>G on the plus strand (G>C on the coding strand, the complement: PAH is on the minus strand). VCF-style: chr12-102843646-C-G. GRCh37 (hg19) VCF-style: chr12-103237424-C-G.
Other names: c.1199G>C, p.Arg400Thr (NM_001354304.2); short protein forms R400T.
Identifiers: ClinVar variation 102562 (VCV000102562.11), dbSNP rs199475658, ClinGen allele CA229391.
Genomic context (GRCh38, chr12:102,843,646, plus strand): 5'-ATGAGTGGCACCAGTCAGGAGGCCCCCAGAGCTAGTGGCTCACCTTTGTCACCACCTCAC[C>G]TTACTTTCTCCTTGGCATCATTAAAACTCTCTGCCACGTAATAGAGGGGCTGGAACTCCG-3'
Protein context (NP_000268.1, residues 390-410): ESFNDAKEKV[Arg400Thr]NFAATIPRPF